The following is an entry in ClinVar:

NM_016356.5(DCDC2):c.1224C>T (p.Thr408=)

Gene: DCDC2 (doublecortin domain containing 2; minus strand). Cytogenetic location: 6p22.3.
Variant type: single nucleotide variant.
Coding change: c.1224C>T on transcript NM_016356.5 (MANE Select); coding-DNA position 1224, C replaced by T.
Protein change: p.Thr408=; no amino-acid change (threonine 408 retained).
Molecular consequence: synonymous variant.
Genome position (GRCh38, 1-based): chr6:24,178,432, G>A on the plus strand (C>T on the coding strand, the complement: DCDC2 is on the minus strand). VCF-style: chr6-24178432-G-A. GRCh37 (hg19) VCF-style: chr6-24178660-G-A.
Other names: c.1224C>T, p.Thr408= (NM_001195610.2); c.1224C>T (NM_016356.4).
Identifiers: ClinVar variation 2196211 (VCV002196211.5), dbSNP rs763861048, ClinGen allele CA3654479.

ClinVar aggregate classification (germline): Likely benign. Review status: criteria provided, multiple submitters, no conflicts (2 of 4 stars). 3 submissions from 3 submitters: Likely benign (2). 1 of the submissions does not count toward it. Last evaluated 2024-12-10.

Conditions:
Autosomal recessive nonsyndromic hearing loss 66 (DFNB66). Also called: Deafness, autosomal recessive 66. Identifiers: Orphanet 90636, MedGen C1857750, MONDO:0012442, OMIM 610212.
Isolated neonatal sclerosing cholangitis (NSC). Also called: Sclerosing cholangitis, neonatal. Identifiers: Orphanet 480556, MedGen C4479344, MONDO:0018816, OMIM 617394.
DCDC2-related disorder. Also called: DCDC2-related condition.

Allele frequency attached by ClinVar (database versions not stated): gnomAD 0.00003.
gnomAD v4.1: 23 of 1,613,974 alleles (0.0014%); highest among the groups gnomAD compares: South Asian, 0.013%; 1 homozygote.

Submissions (3):

Labcorp Genetics (formerly Invitae), Labcorp
Classification: Likely benign for Autosomal recessive nonsyndromic hearing loss 66; Isolated neonatal sclerosing cholangitis. Last evaluated: 2024-12-10. Review status: criteria provided, single submitter. Criteria: Invitae Variant Classification Sherloc (09022015). Collection method: clinical testing. Allele origin: germline.

GeneDx
Classification: Likely benign. Last evaluated: 2018-11-27. Review status: criteria provided, single submitter. Criteria: GeneDx Variant Classification Process June 2021. Collection method: clinical testing. Allele origin: germline. Affected: yes.
Comment: See Variant Classification Assertion Criteria.

PreventionGenetics, part of Exact Sciences
Classification: Likely benign for DCDC2-related condition. Last evaluated: 2024-09-10. Review status: no assertion criteria provided. Collection method: clinical testing. Allele origin: germline. Not counted in ClinVar's aggregate classification.
Comment: This variant is classified as likely benign based on ACMG/AMP sequence variant interpretation guidelines (Richards et al. 2015 PMID: 25741868, with internal and published modifications).